The following is an entry in ClinVar:

ClinVar aggregate classification (germline): Uncertain significance (1 of 4 stars; one submission).

Conditions:
Ataxia-telangiectasia syndrome (AT). Also called: Ataxia-telangiectasia, complementation group D; AT, COMPLEMENTATION GROUP C; ATAXIA-TELANGIECTASIA, COMPLEMENTATION GROUP A; ATAXIA-TELANGIECTASIA, FRESNO VARIANT; Ataxia-telangiectasia; Ataxia-telangiectasia, complementation group E. Identifiers: Orphanet 100, MedGen C0004135, MONDO:0008840, OMIM 208900.

Submission:

Labcorp Genetics (formerly Invitae), Labcorp
Classification: Uncertain significance for Ataxia-telangiectasia syndrome. Last evaluated: 2024-03-14. Review status: criteria provided, single submitter. Criteria: Invitae Variant Classification Sherloc (09022015). Collection method: clinical testing. Allele origin: germline.
Comment: This sequence change replaces phenylalanine, which is neutral and non-polar, with valine, which is neutral and non-polar, at codon 2894 of the ATM protein (p.Phe2894Val). This variant is not present in population databases (gnomAD no frequency). This variant has not been reported in the literature in individuals affected with ATM-related conditions. An algorithm developed to predict the effect of missense changes on protein structure and function (PolyPhen-2) suggests that this variant is likely to be disruptive. In summary, the available evidence is currently insufficient to determine the role of this variant in disease. Therefore, it has been classified as a Variant of Uncertain Significance.

NM_000051.4(ATM):c.8680T>G (p.Phe2894Val)

Genes: ATM (ATM serine/threonine kinase; plus strand), C11orf65 (chromosome 11 open reading frame 65; minus strand). Cytogenetic location: 11q22.3.
Variant type: single nucleotide variant.
Coding change: c.8680T>G on transcript NM_000051.4 (MANE Select); coding-DNA position 8680, T replaced by G.
Protein change: p.Phe2894Val; replaces phenylalanine 2894 with valine.
Molecular consequence: missense variant. On other transcripts: intron variant (2).
Genome position (GRCh38, 1-based): chr11:108,353,774, T>G. VCF-style: chr11-108353774-T-G. GRCh37 (hg19) VCF-style: chr11-108224501-T-G.
Other names: c.8680T>G, p.Phe2894Val (NM_001351834.2); c.640+32146A>C (NM_001330368.2); c.695-18482A>C (NM_001351110.2); short protein forms F2894V.
Identifiers: ClinVar variation 3645948 (VCV003645948.2).